The following is an entry in ClinVar:

NM_001142800.2(EYS):c.6724C>T (p.Arg2242Cys)

Gene: EYS (EGF-like photoreceptor maintenance factor; minus strand). Cytogenetic location: 6q12.
Variant type: single nucleotide variant.
Coding change: c.6724C>T on transcript NM_001142800.2 (MANE Select); coding-DNA position 6724, C replaced by T.
Protein change: p.Arg2242Cys; replaces arginine 2242 with cysteine.
Molecular consequence: missense variant.
Genome position (GRCh38, 1-based): chr6:64,066,339, G>A on the plus strand (C>T on the coding strand, the complement: EYS is on the minus strand). VCF-style: chr6-64066339-G-A. GRCh37 (hg19) VCF-style: chr6-64776232-G-A.
Other names: c.6724C>T, p.Arg2242Cys (NM_001292009.2); short protein forms R2242C.
Identifiers: ClinVar variation 845993 (VCV000845993.5), dbSNP rs990350691, ClinGen allele CA364389379.

ClinVar aggregate classification (germline): Uncertain significance. Review status: criteria provided, multiple submitters, no conflicts (2 of 4 stars). 3 submissions from 3 submitters: Uncertain significance (2). 1 of the submissions does not count toward it. Last evaluated 2021-08-30.

Conditions:
Retinitis pigmentosa (RP). Identifiers: Orphanet 791, MedGen C0035334, MeSH D012174, MONDO:0019200, OMIM 268000. Inheritance: Autosomal dominant, autosomal recessive and X linked inheritance.

Allele frequency attached by ClinVar (database versions not stated): gnomAD exomes 0.00001.
gnomAD v4.1: 6 of 1,549,706 alleles (0.00039%); highest among the groups gnomAD compares: East Asian, 0.0024%; no homozygotes.

Submissions (3):

Labcorp Genetics (formerly Invitae), Labcorp
Classification: Uncertain significance. Last evaluated: 2021-08-30. Review status: criteria provided, single submitter. Criteria: Invitae Variant Classification Sherloc (09022015). Collection method: clinical testing. Allele origin: germline.
Comment: This sequence change replaces arginine with cysteine at codon 2242 of the EYS protein (p.Arg2242Cys). The arginine residue is moderately conserved and there is a large physicochemical difference between arginine and cysteine. This variant is not present in population databases (ExAC no frequency). This variant has not been reported in the literature in individuals affected with EYS-related conditions. Algorithms developed to predict the effect of missense changes on protein structure and function output the following: SIFT: "Deleterious"; PolyPhen-2: "Possibly Damaging"; Align-GVGD: "Class C15". The cysteine amino acid residue is found in multiple mammalian species, which suggests that this missense change does not adversely affect protein function. In summary, the available evidence is currently insufficient to determine the role of this variant in disease. Therefore, it has been classified as a Variant of Uncertain Significance.

Blueprint Genetics
Classification: Uncertain significance. Last evaluated: 2017-09-28. Review status: criteria provided, single submitter. Criteria: ACMG Guidelines, 2015. Collection method: clinical testing. Allele origin: germline.

Natera, Inc.
Classification: Uncertain significance for Retinitis pigmentosa. Last evaluated: 2020-09-16. Review status: no assertion criteria provided. Collection method: clinical testing. Allele origin: germline. Not counted in ClinVar's aggregate classification.